The following is an entry in ClinVar:

ClinVar aggregate classification (germline): Uncertain significance. Review status: criteria provided, multiple submitters, no conflicts (2 of 4 stars). 2 submissions from 2 submitters: Uncertain significance (2). Last evaluated 2025-11-02.

Conditions:
Inborn genetic diseases. Identifiers: MedGen C0950123, MeSH D030342.

Allele frequency attached by ClinVar (database versions not stated): TOPMed below 0.00001; gnomAD 0.00001 and 0.00002; gnomAD exomes 0.00002; ExAC 0.00003.
gnomAD v4.1: 24 of 1,612,984 alleles (0.0015%); highest among the groups gnomAD compares: East Asian, 0.0067%; 1 homozygote.

Submissions (2):

Ambry Genetics
Classification: Uncertain significance for Inborn genetic diseases. Last evaluated: 2025-11-02. Review status: criteria provided, single submitter. Criteria: Ambry Variant Classification Scheme 2023. Collection method: clinical testing. Allele origin: germline.

Labcorp Genetics (formerly Invitae), Labcorp
Classification: Uncertain significance. Last evaluated: 2022-05-22. Review status: criteria provided, single submitter. Criteria: Invitae Variant Classification Sherloc (09022015). Collection method: clinical testing. Allele origin: germline.
Comment: This sequence change replaces aspartic acid, which is acidic and polar, with asparagine, which is neutral and polar, at codon 395 of the LAMA5 protein (p.Asp395Asn). In summary, the available evidence is currently insufficient to determine the role of this variant in disease. Therefore, it has been classified as a Variant of Uncertain Significance. Algorithms developed to predict the effect of missense changes on protein structure and function output the following: SIFT: "Tolerated"; PolyPhen-2: "Benign"; Align-GVGD: "Class C0". The asparagine amino acid residue is found in multiple mammalian species, which suggests that this missense change does not adversely affect protein function. This variant has not been reported in the literature in individuals affected with LAMA5-related conditions. This variant is present in population databases (rs765865234, gnomAD 0.02%).

NM_005560.6(LAMA5):c.1183G>A (p.Asp395Asn)

Gene: LAMA5 (laminin subunit alpha 5; minus strand). Cytogenetic location: 20q13.33.
Variant type: single nucleotide variant.
Coding change: c.1183G>A on transcript NM_005560.6 (MANE Select); coding-DNA position 1183, G replaced by A.
Protein change: p.Asp395Asn; replaces aspartic acid 395 with asparagine.
Molecular consequence: missense variant.
Genome position (GRCh38, 1-based): chr20:62,346,690, C>T on the plus strand (G>A on the coding strand, the complement: LAMA5 is on the minus strand). VCF-style: chr20-62346690-C-T. GRCh37 (hg19) VCF-style: chr20-60921746-C-T.
Other names: c.1183G>A (NM_005560.3); short protein forms D395N.
Identifiers: ClinVar variation 1360396 (VCV001360396.10), dbSNP rs765865234, ClinGen allele CA9944074.